The following is an entry in ClinVar:

ClinVar aggregate classification (germline): Conflicting classifications of pathogenicity. Review status: criteria provided, conflicting classifications (1 of 4 stars). 2 submissions from 2 submitters: Likely pathogenic, low penetrance (1); Uncertain significance (1). Last evaluated 2025-09-26.

Conditions:
CFI-related disorder. Also called: CFI-related disorders; CFI-related condition. Identifiers: MedGen CN239325.

gnomAD v4.1: 1 of 1,606,224 alleles (0.000062%); highest among the groups gnomAD compares: Non-Finnish European, 0.000085%; no homozygotes.

Submissions (2):

Genomenon, Inc
Classification: Likely pathogenic, low penetrance for CFI-related disorder. Last evaluated: 2025-09-26. Review status: criteria provided, single submitter. Criteria: Genomenon Sequence Variant Interpretation Standards - Updated. Collection method: curation. Allele origin: germline. Affected: no.
Comment: CFI p.Gly248Glu (c.743G>A) is a missense variant that changes the amino acid at residue 248 from Glycine to Glutamic acid. To our knowledge, this variant has not been reported in patients affected with CFI-related disorders in the published literature. At least one functional study has demonstrated a substantial alteration in protein function relative to the wild-type (PMID:32510551). The variant is located in a mutational hotspot. It is absent or not present at a significant frequency in gnomAD. In conclusion, we classify CFI p.Gly248Glu (c.743G>A) as a likely pathogenic, low penetrance variant.

Labcorp Genetics (formerly Invitae), Labcorp
Classification: Uncertain significance. Last evaluated: 2025-02-24. Review status: criteria provided, single submitter. Criteria: Invitae Variant Classification Sherloc (09022015). Collection method: clinical testing. Allele origin: germline.
Comment: This sequence change replaces glycine, which is neutral and non-polar, with glutamic acid, which is acidic and polar, at codon 248 of the CFI protein (p.Gly248Glu). This variant is not present in population databases (gnomAD no frequency). This variant has not been reported in the literature in individuals affected with CFI-related conditions. Invitae Evidence Modeling of protein sequence and biophysical properties (such as structural, functional, and spatial information, amino acid conservation, physicochemical variation, residue mobility, and thermodynamic stability) has been performed for this missense variant. However, the output from this modeling did not meet the statistical confidence thresholds required to predict the impact of this variant on CFI protein function. In summary, the available evidence is currently insufficient to determine the role of this variant in disease. Therefore, it has been classified as a Variant of Uncertain Significance.

Literature cited by the submitters: PubMed 32510551 (cited by Genomenon, Inc).

NM_000204.5(CFI):c.743G>A (p.Gly248Glu)

Gene: CFI (complement factor I; minus strand). Cytogenetic location: 4q25.
Variant type: single nucleotide variant.
Coding change: c.743G>A on transcript NM_000204.5 (MANE Select); coding-DNA position 743, G replaced by A.
Protein change: p.Gly248Glu; replaces glycine 248 with glutamic acid.
Molecular consequence: missense variant. On other transcripts: non-coding transcript variant (3).
Genome position (GRCh38, 1-based): chr4:109,760,552, C>T on the plus strand (G>A on the coding strand, the complement: CFI is on the minus strand). VCF-style: chr4-109760552-C-T. GRCh37 (hg19) VCF-style: chr4-110681708-C-T.
Other names: c.743G>A, p.Gly248Glu (NM_001318057.2, NM_001331035.2, NM_001375278.1 and 10 more transcripts); c.134G>A, p.Gly45Glu (NM_001375284.1); short protein forms G248E, G45E.
Identifiers: ClinVar variation 4280480 (VCV004280480.2).
Genomic context (GRCh38, chr4:109,760,552, plus strand): 5'-TAGAGGATTTAGAGGCTAGATTTATGTCTACCTTTACAACACAGTTCATCACTTTGGTCT[C>T]CACAATCATTGATACCATCACAGGCTTTCATCTGAGAAATGTATTTCCCATTCACACACT-3'
Protein context (NP_000195.3, residues 238-258): MKACDGINDC[Gly248Glu]DQSDELCCKA